The following is an entry in ClinVar:

NM_000163.5(GHR):c.239G>A (p.Gly80Glu)

Gene: GHR (growth hormone receptor; plus strand). Cytogenetic location: 5p12.
Variant type: single nucleotide variant.
Coding change: c.239G>A on transcript NM_000163.5 (MANE Select); coding-DNA position 239, G replaced by A.
Protein change: p.Gly80Glu; replaces glycine 80 with glutamic acid.
Molecular consequence: missense variant.
Genome position (GRCh38, 1-based): chr5:42,688,992, G>A. VCF-style: chr5-42688992-G-A. GRCh37 (hg19) VCF-style: chr5-42689094-G-A.
Other names: c.239G>A, p.Gly80Glu (NM_001242462.1, NM_001242400.2, NM_001242401.4 and 5 more transcripts); c.260G>A, p.Gly87Glu (NM_001242399.2); c.173G>A, p.Gly58Glu (NM_001242460.2); short protein forms G80E, G87E, G58E.
Identifiers: ClinVar variation 3649596 (VCV003649596.2).

ClinVar aggregate classification (germline): Uncertain significance (1 of 4 stars; one submission).

gnomAD v4.1: 1 of 1,613,766 alleles (0.000062%); highest among the groups gnomAD compares: Non-Finnish European, 0.000085%; no homozygotes.

Submission:

Labcorp Genetics (formerly Invitae), Labcorp
Classification: Uncertain significance. Last evaluated: 2024-04-22. Review status: criteria provided, single submitter. Criteria: Invitae Variant Classification Sherloc (09022015). Collection method: clinical testing. Allele origin: germline.
Comment: This sequence change replaces glycine, which is neutral and non-polar, with glutamic acid, which is acidic and polar, at codon 80 of the GHR protein (p.Gly80Glu). This variant is not present in population databases (gnomAD no frequency). This variant has not been reported in the literature in individuals affected with GHR-related conditions. An algorithm developed to predict the effect of missense changes on protein structure and function (PolyPhen-2) suggests that this variant is likely to be disruptive. In summary, the available evidence is currently insufficient to determine the role of this variant in disease. Therefore, it has been classified as a Variant of Uncertain Significance.